The following is an entry in ClinVar:

NM_017777.4(MKS1):c.1407+1G>A

Gene: MKS1 (MKS transition zone complex subunit 1; minus strand). Cytogenetic location: 17q22.
Variant type: single nucleotide variant.
Coding change: c.1407+1G>A on transcript NM_017777.4 (MANE Select); the canonical splice donor site of the intron after coding-DNA position 1407, G replaced by A.
Molecular consequence: splice donor variant. On other transcripts: intron variant (1).
Genome position (GRCh38, 1-based): chr17:58,207,084, C>T on the plus strand (G>A on the coding strand, the complement: MKS1 is on the minus strand). VCF-style: chr17-58207084-C-T. GRCh37 (hg19) VCF-style: chr17-56284445-C-T.
Other names: c.798+1G>A (NM_001321268.2); c.1274-704G>A (NM_001330397.2); c.1407+1G>A (NM_001321269.2).
Identifiers: ClinVar variation 846582 (VCV000846582.8), dbSNP rs1567795088, ClinGen allele CA400324794.

ClinVar aggregate classification (germline): Likely pathogenic (1 of 4 stars; one submission).

Conditions:
Meckel-Gruber syndrome. Also called: DYSENCEPHALIA SPLANCHNOCYSTICA; GRUBER SYNDROME; Dysencephalia splachnocystica. Identifiers: Orphanet 564, MedGen C0265215, MONDO:0018921.
Joubert syndrome. Also called: CEREBELLOPARENCHYMAL DISORDER IV; JOUBERT-BOLTSHAUSER SYNDROME; Familial aplasia of the vermis. Identifiers: Orphanet 475, MedGen C5979921, MONDO:0018772.

Allele frequency attached by ClinVar (database versions not stated): gnomAD exomes below 0.00001 and 0.00001.
gnomAD v4.1: 8 of 1,614,204 alleles (0.0005%); highest among the groups gnomAD compares: Non-Finnish European, 0.00068%; no homozygotes.

Submission:

Labcorp Genetics (formerly Invitae), Labcorp
Classification: Likely pathogenic for Joubert syndrome; Meckel-Gruber syndrome. Last evaluated: 2019-12-03. Review status: criteria provided, single submitter. Criteria: Invitae Variant Classification Sherloc (09022015). Collection method: clinical testing. Allele origin: germline.
Comment: This variant has not been reported in the literature in individuals with MKS1-related conditions. Algorithms developed to predict the effect of sequence changes on RNA splicing suggest that this variant may disrupt the consensus splice site, but this prediction has not been confirmed by published transcriptional studies. Donor and acceptor splice site variants typically lead to a loss of protein function (PMID: 16199547), and loss-of-function variants in MKS1 are known to be pathogenic (PMID: 17397051). In summary, the currently available evidence indicates that the variant is pathogenic, but additional data are needed to prove that conclusively. Therefore, this variant has been classified as Likely Pathogenic. This sequence change affects a donor splice site in intron 15 of the MKS1 gene. It is expected to disrupt RNA splicing and likely results in an absent or disrupted protein product. This variant is not present in population databases (ExAC no frequency).

Literature cited by the submitters: PubMed 16199547; PubMed 17397051.